The following is an entry in ClinVar:

ClinVar aggregate classification (germline): Likely benign. Review status: criteria provided, single submitter (1 of 4 stars). 2 submissions from 2 submitters: Likely benign (1). 1 of the submissions does not count toward it. Last evaluated 2025-08-21.

Conditions:
LIPA-related disorder. Also called: LIPA-related disorders; LIPA-related condition.
Wolman disease (WOLD). Also called: LYSOSOMAL ACID LIPASE DEFICIENCY, ACUTE INFANTILE; LYSOSOMAL ACID LIPASE DEFICIENCY, COMPLETE; LIPA DEFICIENCY, COMPLETE; LAL DEFICIENCY, COMPLETE; CHOLESTEROL ESTER HYDROLASE DEFICIENCY, COMPLETE; Wolman disease with hypolipoproteinemia and acanthocytosis. Identifiers: Orphanet 75233, MedGen C0043208, MONDO:0019148, OMIM 620151.

Allele frequency attached by ClinVar (database versions not stated): TOPMed below 0.00001; ExAC 0.00001; gnomAD 0.00001; gnomAD exomes 0.00001 and 0.00002; ESP Exome Variant Server 0.00008.
gnomAD v4.1: 11 of 1,505,734 alleles (0.00073%); highest among the groups gnomAD compares: Middle Eastern, 0.017%; 1 homozygote.

Submissions (2):

Labcorp Genetics (formerly Invitae), Labcorp
Classification: Likely benign for Wolman disease. Last evaluated: 2025-08-21. Review status: criteria provided, single submitter. Criteria: Invitae Variant Classification Sherloc (09022015). Collection method: clinical testing. Allele origin: germline.

PreventionGenetics, part of Exact Sciences
Classification: Likely benign for LIPA-related condition. Last evaluated: 2021-04-12. Review status: no assertion criteria provided. Collection method: clinical testing. Allele origin: germline. Not counted in ClinVar's aggregate classification.
Comment: This variant is classified as likely benign based on ACMG/AMP sequence variant interpretation guidelines (Richards et al. 2015 PMID: 25741868, with internal and published modifications).

NM_000235.4(LIPA):c.429-7A>T

Gene: LIPA (lipase A, lysosomal acid type; minus strand). Cytogenetic location: 10q23.31.
Variant type: single nucleotide variant.
Coding change: c.429-7A>T on transcript NM_000235.4 (MANE Select); 7 bases into the intron before coding-DNA position 429, A replaced by T.
Molecular consequence: intron variant.
Genome position (GRCh38, 1-based): chr10:89,227,011, T>A on the plus strand (A>T on the coding strand, the complement: LIPA is on the minus strand). VCF-style: chr10-89227011-T-A. GRCh37 (hg19) VCF-style: chr10-90986768-T-A.
Other names: c.81-7A>T (NM_001288979.2); c.429-7A>T (NM_001127605.3, NM_000235.3).
Identifiers: ClinVar variation 1147990 (VCV001147990.11), dbSNP rs377215072, ClinGen allele CA5593721.